The following is an entry in ClinVar:

NM_001953.5(TYMP):c.1399T>C (p.Phe467Leu)

Genes: SCO2 (synthesis of cytochrome C oxidase 2; minus strand), TYMP (thymidine phosphorylase; minus strand), LOC130067862 (ATAC-STARR-seq lymphoblastoid silent region 13986; plus strand). Cytogenetic location: 22q13.33.
Variant type: single nucleotide variant.
Coding change: c.1399T>C on transcript NM_001953.5 (MANE Select); coding-DNA position 1399, T replaced by C.
Protein change: p.Phe467Leu; replaces phenylalanine 467 with leucine.
Molecular consequence: missense variant. On other transcripts: intron variant (2).
Genome position (GRCh38, 1-based): chr22:50,525,820, A>G on the plus strand (T>C on the coding strand, the complement: TYMP is on the minus strand). VCF-style: chr22-50525820-A-G. GRCh37 (hg19) VCF-style: chr22-50964249-A-G.
Other names: p.Phe467Leu; c.1414T>C, p.Phe472Leu (NM_001257989.1); c.-14+426T>C (NM_001169109.2); c.-14+181T>C (NM_001169110.1); c.1399T>C, p.Phe467Leu (NM_001113755.3, NM_001113756.3, NM_001257988.1); short protein forms F472L, F467L.
Identifiers: ClinVar variation 1957273 (VCV001957273.6), dbSNP rs1432744426, ClinGen allele CA412196036.

ClinVar aggregate classification (germline): Uncertain significance. Review status: criteria provided, multiple submitters, no conflicts (2 of 4 stars). 2 submissions from 2 submitters: Uncertain significance (2). Last evaluated 2024-08-20.

Allele frequency attached by ClinVar (database versions not stated): TOPMed 0.00002; gnomAD 0.00001.
gnomAD v4.1: 3 of 1,610,030 alleles (0.00019%); highest among the groups gnomAD compares: Admixed American, 0.0017%; no homozygotes.

Submissions (2):

Mayo Clinic Laboratories, Mayo Clinic
Classification: Uncertain significance. Last evaluated: 2024-08-20. Review status: criteria provided, single submitter. Criteria: ACMG Guidelines, 2015. Collection method: clinical testing. Allele origin: germline. Observed: 2 variant alleles.

Labcorp Genetics (formerly Invitae), Labcorp
Classification: Uncertain significance. Last evaluated: 2023-12-11. Review status: criteria provided, single submitter. Criteria: Invitae Variant Classification Sherloc (09022015). Collection method: clinical testing. Allele origin: germline.
Comment: This sequence change replaces phenylalanine, which is neutral and non-polar, with leucine, which is neutral and non-polar, at codon 467 of the TYMP protein (p.Phe467Leu). This variant is present in population databases (no rsID available, gnomAD 0.005%). This variant has not been reported in the literature in individuals affected with TYMP-related conditions. ClinVar contains an entry for this variant (Variation ID: 1957273). Advanced modeling of protein sequence and biophysical properties (such as structural, functional, and spatial information, amino acid conservation, physicochemical variation, residue mobility, and thermodynamic stability) performed at Invitae indicates that this missense variant is not expected to disrupt TYMP protein function with a negative predictive value of 95%. In summary, the available evidence is currently insufficient to determine the role of this variant in disease. Therefore, it has been classified as a Variant of Uncertain Significance.